The following is an entry in ClinVar:

ClinVar aggregate classification (germline): Uncertain significance (1 of 4 stars; one submission).

Conditions:
Meckel-Gruber syndrome. Also called: GRUBER SYNDROME; DYSENCEPHALIA SPLANCHNOCYSTICA; Dysencephalia splachnocystica. Identifiers: Orphanet 564, MedGen C0265215, MONDO:0018921.
Joubert syndrome. Also called: Familial aplasia of the vermis; JOUBERT-BOLTSHAUSER SYNDROME; CEREBELLOPARENCHYMAL DISORDER IV. Identifiers: Orphanet 475, MedGen C5979921, MONDO:0018772.

Submission:

Labcorp Genetics (formerly Invitae), Labcorp
Classification: Uncertain significance for Joubert syndrome; Meckel-Gruber syndrome. Last evaluated: 2025-08-30. Review status: criteria provided, single submitter. Criteria: Invitae Variant Classification Sherloc (09022015). Collection method: clinical testing. Allele origin: germline.
Comment: This sequence change replaces threonine, which is neutral and polar, with isoleucine, which is neutral and non-polar, at codon 368 of the TCTN2 protein (p.Thr368Ile). This variant is not present in population databases (gnomAD no frequency). This variant has not been reported in the literature in individuals affected with TCTN2-related conditions. Invitae Evidence Modeling of protein sequence and biophysical properties (such as structural, functional, and spatial information, amino acid conservation, physicochemical variation, residue mobility, and thermodynamic stability) indicates that this missense variant is not expected to disrupt TCTN2 protein function with a negative predictive value of 80%. In summary, the available evidence is currently insufficient to determine the role of this variant in disease. Therefore, it has been classified as a Variant of Uncertain Significance.

NM_024809.5(TCTN2):c.1103C>T (p.Thr368Ile)

Gene: TCTN2 (tectonic family member 2; plus strand). Cytogenetic location: 12q24.31.
Variant type: single nucleotide variant.
Coding change: c.1103C>T on transcript NM_024809.5 (MANE Select); coding-DNA position 1103, C replaced by T.
Protein change: p.Thr368Ile; replaces threonine 368 with isoleucine.
Molecular consequence: missense variant. On other transcripts: intron variant (1).
Genome position (GRCh38, 1-based): chr12:123,694,845, C>T. VCF-style: chr12-123694845-C-T. GRCh37 (hg19) VCF-style: chr12-124179392-C-T.
Other names: c.1100C>T, p.Thr367Ile (NM_001143850.3); c.1100-375C>T (NM_001410989.1); short protein forms T368I, T367I.
Identifiers: ClinVar variation 4783179 (VCV004783179.1).
Genomic context (GRCh38, chr12:123,694,845, plus strand): 5'-AACAGAGTCAGGCTCAAAGAGGGTCTTTAATTTATGAACATATTCTTGTATTTGCAGAAA[C>T]TCCTTTAAATAACGGATCAACCCCTAGAATTGTGAATGTGGAAGAACATTATATTTTCAA-3'
Protein context (NP_079085.2, residues 358-378): DLDKFITNTE[Thr368Ile]PLNNGSTPRI